The following is an entry in ClinVar:

NM_138773.4(SLC25A46):c.1190C>G (p.Thr397Arg)

Gene: SLC25A46 (solute carrier family 25 member 46; plus strand). Cytogenetic location: 5q22.1.
Variant type: single nucleotide variant.
Coding change: c.1190C>G on transcript NM_138773.4 (MANE Select); coding-DNA position 1190, C replaced by G.
Protein change: p.Thr397Arg; replaces threonine 397 with arginine.
Molecular consequence: missense variant. On other transcripts: non-coding transcript variant (1).
Genome position (GRCh38, 1-based): chr5:110,761,715, C>G. VCF-style: chr5-110761715-C-G. GRCh37 (hg19) VCF-style: chr5-110097415-C-G.
Other names: c.947C>G, p.Thr316Arg (NM_001303249.3); c.917C>G, p.Thr306Arg (NM_001303250.3); short protein forms T306R, T316R, T397R.
Identifiers: ClinVar variation 1056200 (VCV001056200.7), dbSNP rs1342717502, ClinGen allele CA360697721.

ClinVar aggregate classification (germline): Uncertain significance (1 of 4 stars; one submission).

Conditions:
Neuropathy, hereditary motor and sensory, type 6B (HMSN6B). Also called: HMSN VIB; CHARCOT-MARIE-TOOTH DISEASE, TYPE 6B; NEUROPATHY, HEREDITARY MOTOR AND SENSORY, TYPE VIB, WITH OPTIC ATROPHY; Neuropathy, hereditary motor and sensory, type VIB. Identifiers: MedGen C4225302, MONDO:0014671, OMIM 616505.

Allele frequency attached by ClinVar (database versions not stated): gnomAD exomes below 0.00001; TOPMed below 0.00001.

Submission:

Labcorp Genetics (formerly Invitae), Labcorp
Classification: Uncertain significance for Neuropathy, hereditary motor and sensory, type 6B. Last evaluated: 2021-08-22. Review status: criteria provided, single submitter. Criteria: Invitae Variant Classification Sherloc (09022015). Collection method: clinical testing. Allele origin: germline.
Comment: This sequence change replaces threonine with arginine at codon 397 of the SLC25A46 protein (p.Thr397Arg). The threonine residue is moderately conserved and there is a moderate physicochemical difference between threonine and arginine. This variant is not present in population databases (ExAC no frequency). This variant has not been reported in the literature in individuals with SLC25A46-related conditions. Algorithms developed to predict the effect of missense changes on protein structure and function are either unavailable or do not agree on the potential impact of this missense change (SIFT: "Deleterious"; PolyPhen-2: "Possibly Damaging"; Align-GVGD: "Class C0"). In summary, the available evidence is currently insufficient to determine the role of this variant in disease. Therefore, it has been classified as a Variant of Uncertain Significance.